The following is an entry in ClinVar:

ClinVar aggregate classification (germline): Pathogenic (1 of 4 stars; one submission).

Conditions:
Vascular malformation. Also called: Vascular malformations. Identifiers: MedGen C0158570, MONDO:0024291.

Submission:

Clinical Genomics Laboratory, Washington University in St. Louis
Classification: Pathogenic for Vascular malformation. Last evaluated: 2025-02-26. Review status: criteria provided, single submitter. Criteria: Leon-Quintero et al. (Clin Genet. 2025). Collection method: clinical testing. Allele origin: somatic. Affected: yes.
Comment: A KRAS c.182_183delinsGT (p.Gln61Arg) variant was identified at an allelic fraction consistent with somatic origin. The same amino acid change (p.Gln61Arg), resulting from a different nucleotide change, c.182A>G, as well as another variant in the same codon (c.183A>C; p.Gln61His) have been reported in individuals with vascular anomalies and are considered pathogenic (Schmidt VF et al., PMID: 38563363; Al-Olabi L et al. PMID: 29461977; Chang CA et al. PMID: 34056834; Li H et al., PMID: 34530633; Hong T et al., PMID: 30544177; Nikolaev SI et al., PMID: 29298116). This variant is absent from the general population (gnomAD v.4.1.0), indicating it is not a common variant and resides within a region, the switch II domain of KRAS that is defined as a critical functional domain (Gelb BD et al. PMID: 29493581). Functional studies show increased ERK activation and transforming potential, indicating that this variant impacts protein function (Huynh MV et al., PMID: 35944066). The KRAS gene is defined by the ClinGen RASopathies expert panel as a gene that has a low rate of benign missense variation and where pathogenic missense variants are a common mechanism of disease. Based on an internally developed protocol informed by the ACMG/AMP guidelines (Leon-Quintero FZ, et al., PMID: 39434542) and gene-specific practices from the ClinGen Criteria Specification Registry, the KRAS c.182_183delinsGT (p.Gln61Arg) variant is classified as pathogenic.

NM_004985.5(KRAS):c.182_183delinsGT (p.Gln61Arg)

Gene: KRAS (KRAS proto-oncogene, GTPase; minus strand). Cytogenetic location: 12p12.1.
Variant type: Indel.
Coding change: c.182_183delinsGT on transcript NM_004985.5 (MANE Select); coding-DNA positions 182 to 183, AA replaced by GT.
Protein change: p.Gln61Arg; replaces glutamine 61 with arginine.
Molecular consequence: missense variant.
Genome position (GRCh38, 1-based): chr12:25,227,341-25,227,342, TT replaced by AC on the plus strand (AA replaced by GT on the coding strand, the reverse complement: KRAS is on the minus strand). VCF-style: chr12-25227341-TT-AC. GRCh37 (hg19) VCF-style: chr12-25380275-TT-AC.
Other names: c.182_183delinsGT, p.Gln61Arg (NM_001369786.1, NM_001369787.1, NM_033360.4); short protein forms Q61R.
Identifiers: ClinVar variation 4279990 (VCV004279990.1).